The following is an entry in ClinVar:

ClinVar aggregate classification (germline): Uncertain significance. Review status: criteria provided, multiple submitters, no conflicts (2 of 4 stars). 4 submissions from 4 submitters: Uncertain significance (4). Last evaluated 2024-05-27.

Conditions:
Hereditary cancer-predisposing syndrome. Also called: Hereditary Cancer Syndrome; Neoplastic Syndromes, Hereditary; Tumor predisposition; Hereditary neoplastic syndrome. Identifiers: Orphanet 140162, MedGen C0027672, MeSH D009386, MONDO:0015356.
Peutz-Jeghers syndrome (PJS). Also called: POLYPOSIS, HAMARTOMATOUS INTESTINAL; POLYPS-AND-SPOTS SYNDROME; Peutz-Jeghers polyposis; Periorificial lentiginosis syndrome. Identifiers: Orphanet 2869, MedGen C0031269, MeSH D010580, MONDO:0008280, OMIM 175200.

Submissions (4):

Labcorp Genetics (formerly Invitae), Labcorp
Classification: Uncertain significance for Peutz-Jeghers syndrome. Last evaluated: 2024-05-27. Review status: criteria provided, single submitter. Criteria: Invitae Variant Classification Sherloc (09022015). Collection method: clinical testing. Allele origin: germline.
Comment: This sequence change replaces phenylalanine, which is neutral and non-polar, with tyrosine, which is neutral and polar, at codon 264 of the STK11 protein (p.Phe264Tyr). This variant is not present in population databases (gnomAD no frequency). This variant has not been reported in the literature in individuals affected with STK11-related conditions. ClinVar contains an entry for this variant (Variation ID: 231141). Advanced modeling of protein sequence and biophysical properties (such as structural, functional, and spatial information, amino acid conservation, physicochemical variation, residue mobility, and thermodynamic stability) performed at Invitae indicates that this missense variant is not expected to disrupt STK11 protein function with a negative predictive value of 95%. In summary, the available evidence is currently insufficient to determine the role of this variant in disease. Therefore, it has been classified as a Variant of Uncertain Significance.

Genome-Nilou Lab
Classification: Uncertain significance for Peutz-Jeghers syndrome. Last evaluated: 2021-07-15. Review status: criteria provided, single submitter. Criteria: ACMG Guidelines, 2015. Collection method: clinical testing. Allele origin: germline. Affected: no.

Illumina Laboratory Services, Illumina
Classification: Uncertain significance for Peutz-Jeghers syndrome. Last evaluated: 2017-04-28. Review status: criteria provided, single submitter. Criteria: ICSL Variant Classification Criteria 13 December 2019. Collection method: clinical testing. Allele origin: germline.

Ambry Genetics
Classification: Uncertain significance for Hereditary cancer-predisposing syndrome. Last evaluated: 2015-03-26. Review status: criteria provided, single submitter. Criteria: Ambry Variant Classification Scheme 2023. Collection method: clinical testing. Allele origin: germline.
Comment: The p.F264Y variant (also known as c.791T>A), located in coding exon 6 of the STK11 gene, results from a T to A substitution at nucleotide position 791. The phenylalanine at codon 264 is replaced by tyrosine, an amino acid with highly similar properties. This variant was not reported in population based cohorts in the following databases: Database of Single Nucleotide Polymorphisms (dbSNP), NHLBI Exome Sequencing Project (ESP), and 1000 Genomes Project. In the ESP, this variant was not observed in 6120 samples (12240 alleles) with coverage at this position. To date, this alteration has been detected with an allele frequency of approximately 0.001% (greater than 75000 alleles tested) in our clinical cohort. Based on protein sequence alignment, this amino acid position is highly conserved in available vertebrate species. In addition, this alteration is predicted to be tolerated by in silico analysis. Since supporting evidence is limited at this time, the clinical significance of p.F264Y remains unclear.

NM_000455.5(STK11):c.791T>A (p.Phe264Tyr)

Gene: STK11 (serine/threonine kinase 11; plus strand). Cytogenetic location: 19p13.3.
Variant type: single nucleotide variant.
Coding change: c.791T>A on transcript NM_000455.5 (MANE Select); coding-DNA position 791, T replaced by A.
Protein change: p.Phe264Tyr; replaces phenylalanine 264 with tyrosine.
Molecular consequence: missense variant.
Genome position (GRCh38, 1-based): chr19:1,221,269, T>A. VCF-style: chr19-1221269-T-A. GRCh37 (hg19) VCF-style: chr19-1221268-T-A.
Other names: short protein forms F264Y.
Identifiers: ClinVar variation 231141 (VCV000231141.14), dbSNP rs876658978, ClinGen allele CA10581009.